The following is an entry in ClinVar:

ClinVar aggregate classification (germline): Uncertain significance. Review status: criteria provided, multiple submitters, no conflicts (2 of 4 stars). 3 submissions from 3 submitters: Uncertain significance (3). Last evaluated 2024-04-29.

Conditions:
Idiopathic Pulmonary Fibrosis. Also called: Idiopathic fibrosing alveolitis, chronic form; idiopathic fibrosing alveolitis. Identifiers: Orphanet 2032, MedGen C1800706, MeSH D054990, MONDO:0800504.
Dyskeratosis congenita, autosomal dominant 2. Identifiers: MedGen C3151443, MONDO:0013521, OMIM 613989.
Dyskeratosis congenita. Identifiers: Orphanet 1775, MedGen C0265965, MONDO:0015780.

Allele frequency attached by ClinVar (database versions not stated): gnomAD exomes below 0.00001; TOPMed below 0.00001; ExAC 0.00001.

Submissions (3):

Labcorp Genetics (formerly Invitae), Labcorp
Classification: Uncertain significance for Dyskeratosis congenita, autosomal dominant 2; Idiopathic Pulmonary Fibrosis. Last evaluated: 2024-04-29. Review status: criteria provided, single submitter. Criteria: Invitae Variant Classification Sherloc (09022015). Collection method: clinical testing. Allele origin: germline.
Comment: This sequence change replaces glycine, which is neutral and non-polar, with serine, which is neutral and polar, at codon 932 of the TERT protein (p.Gly932Ser). This variant is present in population databases (rs761308654, gnomAD 0.01%). This variant has not been reported in the literature in individuals affected with TERT-related conditions. ClinVar contains an entry for this variant (Variation ID: 1796082). Advanced modeling of protein sequence and biophysical properties (such as structural, functional, and spatial information, amino acid conservation, physicochemical variation, residue mobility, and thermodynamic stability) performed at Invitae indicates that this missense variant is expected to disrupt TERT protein function with a positive predictive value of 80%. In summary, the available evidence is currently insufficient to determine the role of this variant in disease. Therefore, it has been classified as a Variant of Uncertain Significance.

Blueprint Genetics
Classification: Uncertain significance. Last evaluated: 2023-10-27. Review status: criteria provided, single submitter. Criteria: ACMG Guidelines, 2015. Collection method: clinical testing. Allele origin: germline.

Ambry Genetics
Classification: Uncertain significance for Dyskeratosis congenita. Last evaluated: 2020-12-07. Review status: criteria provided, single submitter. Criteria: Ambry Variant Classification Scheme 2023. Collection method: clinical testing. Allele origin: germline.
Comment: The p.G932S variant (also known as c.2794G>A), located in coding exon 11 of the TERT gene, results from a G to A substitution at nucleotide position 2794. The glycine at codon 932 is replaced by serine, an amino acid with similar properties. This missense alteration is located in a region that has a low rate of benign missense variation (Lek M et al. Nature. 2016 Aug 18;536(7616):285-91; DECIPHER: Database of Chromosomal Imbalance and Phenotype in Humans using Ensembl Resources. Firth H.V. et al. 2009. Am.J.Hum.Genet. 84, 524-533 (DOI)). This amino acid position is highly conserved in available vertebrate species. In addition, this alteration is predicted to be deleterious by in silico analysis. Since supporting evidence is limited at this time, the clinical significance of this alteration remains unclear.

NM_198253.3(TERT):c.2794G>A (p.Gly932Ser)

Gene: TERT (telomerase reverse transcriptase; minus strand). Cytogenetic location: 5p15.33.
Variant type: single nucleotide variant.
Coding change: c.2794G>A on transcript NM_198253.3 (MANE Select); coding-DNA position 2794, G replaced by A.
Protein change: p.Gly932Ser; replaces glycine 932 with serine.
Molecular consequence: missense variant. On other transcripts: intron variant (1).
Genome position (GRCh38, 1-based): chr5:1,264,453, C>T on the plus strand (G>A on the coding strand, the complement: TERT is on the minus strand). VCF-style: chr5-1264453-C-T. GRCh37 (hg19) VCF-style: chr5-1264568-C-T.
Other names: c.2794G>A, p.Gly932Ser (NM_003219.1); c.2654+2011G>A (NM_001193376.3); short protein forms G932S.
Identifiers: ClinVar variation 1796082 (VCV001796082.6), dbSNP rs761308654, ClinGen allele CA3184394.